The following is an entry in ClinVar:

NM_000038.6(APC):c.3971del (p.Pro1324fs)

Gene: APC (APC regulator of Wnt signaling pathway; plus strand). Cytogenetic location: 5q22.2.
Variant type: Deletion.
Coding change: c.3971del on transcript NM_000038.6 (MANE Select); coding-DNA position 3971, one base deleted (C; older notation c.3971delC).
Protein change: p.Pro1324fs; shifts the reading frame from proline 1324.
Molecular consequence: frameshift variant. On other transcripts: non-coding transcript variant (2).
Genome position (GRCh38, 1-based): chr5:112,839,565, C deleted; the last of 2 consecutive C bases (chr5:112,839,564-112,839,565); deleting either gives the same sequence. VCF-style (leftmost placement, unchanged base first): chr5-112839563-TC-T. GRCh37 (hg19) VCF-style: chr5-112175260-TC-T.
Other names: c.3971del, p.Pro1324fs (NM_001127510.3, NM_001354895.2, NM_001407450.1); c.3917del, p.Pro1306fs (NM_001127511.3); c.4025del, p.Pro1342fs (NM_001354896.2, NM_001407447.1, NM_001407448.1 and 1 more transcripts); c.4001del, p.Pro1334fs (NM_001354897.2); c.3896del, p.Pro1299fs (NM_001354898.2); c.3887del, p.Pro1296fs (NM_001354899.2); c.3848del, p.Pro1283fs (NM_001354900.2); c.3794del, p.Pro1265fs (NM_001354901.2, NM_001407453.1); and 11 more; short protein forms P1041fs, P1164fs, P1195fs, P1198fs, P1223fs, P1233fs, P1241fs, P1265fs.
Identifiers: ClinVar variation 2584236 (VCV002584236.1), dbSNP rs2533538423, ClinGen allele CA445963967.
Genomic context (GRCh38, chr5:112,839,563, plus strand): 5'-AATAGCAGAAATAAAAGAAAAGATTGGAACTAGGTCAGCTGAAGATCCTGTGAGCGAAGT[TC>T]CAGCAGTGTCACAGCACCCTAGAACCAAATCCAGCAGACTGCAGGGTTCTAGTTTATCTT-3'

ClinVar aggregate classification (germline): Pathogenic (1 of 4 stars; one submission).

Conditions:
Familial adenomatous polyposis 1 (FAP1). Also called: FAMILIAL ADENOMATOUS POLYPOSIS 1, ATTENUATED; POLYPOSIS, ADENOMATOUS INTESTINAL. Identifiers: MedGen C2713442, MONDO:0021056, OMIM 175100. Disease mechanism: loss of function.

Submission:

Myriad Genetics, Inc.
Classification: Pathogenic for Familial adenomatous polyposis 1. Last evaluated: 2023-05-09. Review status: criteria provided, single submitter. Criteria: Myriad Autosomal Dominant, Autosomal Recessive and X-Linked Classification Criteria (2023). Collection method: clinical testing. Allele origin: unknown.
Comment: This variant is considered pathogenic. This variant creates a frameshift predicted to result in premature protein truncation.